The following is an entry in ClinVar:

ClinVar aggregate classification (germline): Conflicting classifications of pathogenicity. Review status: criteria provided, conflicting classifications (1 of 4 stars). 3 submissions from 3 submitters: Uncertain significance (1); Likely benign (2). Last evaluated 2025-12-20.

Allele frequency attached by ClinVar (database versions not stated): TOPMed 0.00005; gnomAD 0.00007 and 0.00009; gnomAD exomes 0.00011; ExAC 0.00017; 1000 Genomes Project 30x 0.00031; 1000 Genomes Project 0.00040.
gnomAD v4.1: 137 of 1,614,160 alleles (0.0085%); highest among the groups gnomAD compares: Middle Eastern, 0.082%; 3 homozygotes.

Submissions (3):

Labcorp Genetics (formerly Invitae), Labcorp
Classification: Likely benign. Last evaluated: 2025-12-20. Review status: criteria provided, single submitter. Criteria: Invitae Variant Classification Sherloc (09022015). Collection method: clinical testing. Allele origin: germline.

Blueprint Genetics
Classification: Likely benign. Last evaluated: 2024-09-18. Review status: criteria provided, single submitter. Criteria: ACMG Guidelines, 2015. Collection method: clinical testing. Allele origin: germline.

GeneDx
Classification: Uncertain significance. Last evaluated: 2023-05-05. Review status: criteria provided, single submitter. Criteria: GeneDx Variant Classification Process June 2021. Collection method: clinical testing. Allele origin: germline. Affected: yes.
Comment: In silico analysis supports that this missense variant does not alter protein structure/function; Has not been previously published as pathogenic or benign to our knowledge

NM_015404.4(WHRN):c.2093T>A (p.Val698Glu)

Gene: WHRN (whirlin; minus strand). Cytogenetic location: 9q32.
Variant type: single nucleotide variant.
Coding change: c.2093T>A on transcript NM_015404.4 (MANE Select); coding-DNA position 2093, T replaced by A.
Protein change: p.Val698Glu; replaces valine 698 with glutamic acid.
Molecular consequence: missense variant.
Genome position (GRCh38, 1-based): chr9:114,406,498, A>T on the plus strand (T>A on the coding strand, the complement: WHRN is on the minus strand). VCF-style: chr9-114406498-A-T. GRCh37 (hg19) VCF-style: chr9-117168778-A-T.
Other names: c.2093T>A (NM_015404.2); c.944T>A, p.Val315Glu (NM_001083885.3); c.2093T>A, p.Val698Glu (NM_001173425.2); c.1040T>A, p.Val347Glu (NM_001346890.1); short protein forms V698E, V315E, V347E.
Identifiers: ClinVar variation 761958 (VCV000761958.10), dbSNP rs201184915, ClinGen allele CA5205738.